The following is an entry in ClinVar:

NM_000179.3(MSH6):c.3312dup (p.Gly1105fs)

Gene: MSH6 (mutS homolog 6; plus strand). Cytogenetic location: 2p16.3.
Variant type: Duplication.
Coding change: c.3312dup on transcript NM_000179.3 (MANE Select); coding-DNA position 3312, one base duplicated (T; older notation c.3312dupT).
Protein change: p.Gly1105fs; shifts the reading frame from glycine 1105.
Molecular consequence: frameshift variant.
Genome position (GRCh38, 1-based): chr2:47,803,559, T duplicated; the last of 7 consecutive T bases (chr2:47,803,553-47,803,559); duplicating any one gives the same sequence. VCF-style (leftmost placement, unchanged base first): chr2-47803552-C-CT. GRCh37 (hg19) VCF-style: chr2-48030691-C-CT.
Other names: c.3312dupT (NM_000179.2); c.2922dup, p.Gly975fs (NM_001281492.2); c.2406dup, p.Gly803fs (NM_001281493.2, NM_001281494.2); short protein forms G803fs, G1105fs, G975fs.
Identifiers: ClinVar variation 141667 (VCV000141667.25), dbSNP rs267608092, ClinGen allele CA012507.

ClinVar aggregate classification (germline): Pathogenic. Review status: criteria provided, multiple submitters, no conflicts (2 of 4 stars). 11 submissions from 11 submitters: Pathogenic (9). 2 of the submissions do not count toward it. Last evaluated 2025-11-10.

Conditions:
MSH6-related disorder. Also called: MSH6-Related disorders; MSH6-related condition.
Hereditary nonpolyposis colorectal neoplasms. Identifiers: MedGen C0009405, MeSH D003123.
Hereditary cancer-predisposing syndrome. Also called: Neoplastic Syndromes, Hereditary; Hereditary Cancer Syndrome; Tumor predisposition; Hereditary neoplastic syndrome. Identifiers: Orphanet 140162, MedGen C0027672, MeSH D009386, MONDO:0015356.
Lynch syndrome 5 (LYNCH5). Also called: Colorectal cancer, hereditary nonpolyposis, type 5; Hereditary non-polyposis colorectal cancer, type 5. Identifiers: Orphanet 144, MedGen C1833477, MONDO:0013710, OMIM 614350. Disease mechanism: loss of function.
Endometrial carcinoma. Also called: Endometrial carcinoma, somatic. Identifiers: MedGen C0476089, MONDO:0002447, OMIM 608089, HP:0012114.

Submissions (11):

Labcorp Genetics (formerly Invitae), Labcorp
Classification: Pathogenic for Hereditary nonpolyposis colorectal neoplasms. Last evaluated: 2025-11-10. Review status: criteria provided, single submitter. Criteria: Invitae Variant Classification Sherloc (09022015). Collection method: clinical testing. Allele origin: germline.
Comment: This sequence change creates a premature translational stop signal (p.Gly1105Trpfs*3) in the MSH6 gene. It is expected to result in an absent or disrupted protein product. Loss-of-function variants in MSH6 are known to be pathogenic (PMID: 18269114, 24362816). This variant is not present in population databases (gnomAD no frequency). This premature translational stop signal has been observed in individual(s) with Lynch syndrome and gliobastomas (PMID: 21642682, 28922847). Invitae Evidence Modeling of clinical and family history, age, sex, and reported ancestry of multiple individuals with this MSH6 variant has been performed. This variant is expected to be pathogenic with a positive predictive value of at least 99%. This is a validated machine learning model that incorporates the clinical features of 1,627,235 individuals referred to our laboratory for MSH6 testing. This variant is also known as c.3305_3306insT (p.1102-fs-insT). ClinVar contains an entry for this variant (Variation ID: 141667). For these reasons, this variant has been classified as Pathogenic.

Ambry Genetics
Classification: Pathogenic for Hereditary cancer-predisposing syndrome. Last evaluated: 2025-09-09. Review status: criteria provided, single submitter. Criteria: Ambry Variant Classification Scheme 2023. Collection method: clinical testing. Allele origin: germline.
Comment: The c.3312dupT pathogenic mutation, located in coding exon 5 of the MSH6 gene, results from a duplication of T at nucleotide position 3312, causing a translational frameshift with a predicted alternate stop codon (p.G1105Wfs*3). This variant was detected amongst 537 French families tested for Lynch syndrome (Bonadona V et al. JAMA, 2011 Jun;305:2304-10). This variant has been identified as germline in patients with glioblastoma and occurred de novo in at least one of these individuals (Forsstr&ouml;m LM et al. J Neuropathol Exp Neurol, 2017 Oct;76:848-853; Wagener R et al. Eur J Hum Genet, 2021 08;29:1301-1311). This variant is considered to be rare based on population cohorts in the Genome Aggregation Database (gnomAD). This alteration is expected to result in loss of function by premature protein truncation or nonsense-mediated mRNA decay. As such, this alteration is interpreted as a disease-causing mutation.

Blueprint Genetics
Classification: Pathogenic for MSH6-related disorders. Last evaluated: 2024-02-21. Review status: criteria provided, single submitter. Criteria: ACMG Guidelines, 2015. Collection method: clinical testing. Allele origin: germline. Affected: yes. Observed: 5 variant alleles.

Clinical Genetics Laboratory, Skane University Hospital Lund
Classification: Pathogenic. Last evaluated: 2024-02-01. Review status: criteria provided, single submitter. Criteria: ACMG Guidelines, 2015. Collection method: clinical testing. Allele origin: germline. Affected: yes.

Color Diagnostics, LLC DBA Color Health
Classification: Pathogenic for Hereditary cancer-predisposing syndrome. Last evaluated: 2023-08-28. Review status: criteria provided, single submitter. Criteria: ACMG Guidelines, 2015. Collection method: clinical testing. Allele origin: germline.
Comment: This variant causes a duplication of one nucleotide in exon 6 of the MSH6 gene, creating a premature translation stop signal. This variant is expected to result in an absent or non-functional protein product. This variant has been observed in an individual affected with Lynch syndrome (PMID: 21642682) and in individuals affected with glioblastoma (PMID: 28922847, 33840814). This variant has not been identified in the general population by the Genome Aggregation Database (gnomAD). Loss of MSH6 function is a known mechanism of disease. Based on the available evidence, this variant is classified as Pathogenic.

Myriad Genetics, Inc.
Classification: Pathogenic for Lynch syndrome 5. Last evaluated: 2023-08-22. Review status: criteria provided, single submitter. Criteria: Myriad Autosomal Dominant, Autosomal Recessive and X-Linked Classification Criteria (2023). Collection method: clinical testing. Allele origin: unknown.
Comment: This variant is considered pathogenic. This variant creates a frameshift predicted to result in premature protein truncation.

GeneDx
Classification: Pathogenic. Last evaluated: 2023-04-26. Review status: criteria provided, single submitter. Criteria: GeneDx Variant Classification Process June 2021. Collection method: clinical testing. Allele origin: germline. Affected: yes.
Comment: Frameshift variant predicted to result in protein truncation or nonsense mediated decay in a gene for which loss of function is a known mechanism of disease; Not observed at significant frequency in large population cohorts (gnomAD); Truncating variants in this gene are considered pathogenic by a well-established clinical consortium and/or database; Also known as c.3305_3306insT (p.1102-fs-insT); This variant is associated with the following publications: (PMID: 18269114, 24362816, 24728327, 34873480, 21642682, 34729042, 28922847, 28888541, 33840814)

Baylor Genetics
Classification: Pathogenic for Endometrial carcinoma. Last evaluated: 2022-11-01. Review status: criteria provided, single submitter. Criteria: ACMG Guidelines, 2015. Collection method: clinical testing. Allele origin: unknown.

Department of Pediatric Oncology,  Hematology and Clinical Immunology, University Clinics Duesseldorf
Classification: Pathogenic for Hereditary cancer-predisposing syndrome. Review status: criteria provided, single submitter. Criteria: ACMG Guidelines, 2015. Collection method: research. Allele origin: de novo. Affected: yes. Observed: 1 heterozygote.

ITMI
No classification provided. Condition: AllHighlyPenetrant. Last evaluated: 2013-09-19. Review status: no classification provided. Collection method: reference population. Allele origin: germline. Not counted in ClinVar's aggregate classification.
Comment: Please see associated publication for description of ethnicities

Department of Pathology and Laboratory Medicine, Sinai Health System
Classification: Pathogenic. Review status: no assertion criteria provided. Collection method: clinical testing. Allele origin: unknown. Affected: yes. Observed: 1 variant allele. Study: The Canadian Open Genetics Repository (COGR). Not counted in ClinVar's aggregate classification.

Literature cited by the submitters: PubMed 18269114 (cited by Labcorp Genetics (formerly Invitae), Labcorp); PubMed 24362816 (cited by Labcorp Genetics (formerly Invitae), Labcorp); PubMed 21642682 (cited by 3 submitters); PubMed 28922847 (cited by 3 submitters); PubMed 27714650 (cited by Ambry Genetics); PubMed 33840814 (cited by Ambry Genetics and Color Diagnostics, LLC DBA Color Health); PubMed 24728327 (cited by ITMI).